The following is an entry in ClinVar:

ClinVar aggregate classification (germline): Likely benign (0 of 4 stars; one submission).

Conditions:
INPP5E-related disorder. Also called: INPP5E-related condition.

Submission:

PreventionGenetics, part of Exact Sciences
Classification: Likely benign for INPP5E-related condition. Last evaluated: 2023-10-06. Review status: no assertion criteria provided. Collection method: clinical testing. Allele origin: germline.
Comment: This variant is classified as likely benign based on ACMG/AMP sequence variant interpretation guidelines (Richards et al. 2015 PMID: 25741868, with internal and published modifications).

NM_019892.6(INPP5E):c.1550-16G>A

Gene: INPP5E (inositol polyphosphate-5-phosphatase E; minus strand). Cytogenetic location: 9q34.3.
Variant type: single nucleotide variant.
Coding change: c.1550-16G>A on transcript NM_019892.6 (MANE Select); 16 bases into the intron before coding-DNA position 1550, G replaced by A.
Molecular consequence: intron variant.
Genome position (GRCh38, 1-based): chr9:136,431,133, C>T on the plus strand (G>A on the coding strand, the complement: INPP5E is on the minus strand). VCF-style: chr9-136431133-C-T. GRCh37 (hg19) VCF-style: chr9-139325585-C-T.
Other names: c.1547-16G>A (NM_001318502.2).
Identifiers: ClinVar variation 3349245 (VCV003349245.1).